The following is an entry in ClinVar:

ClinVar aggregate classification (germline): Uncertain significance (1 of 4 stars; one submission).

Submission:

Labcorp Genetics (formerly Invitae), Labcorp
Classification: Uncertain significance. Last evaluated: 2024-06-02. Review status: criteria provided, single submitter. Criteria: Invitae Variant Classification Sherloc (09022015). Collection method: clinical testing. Allele origin: germline.
Comment: This sequence change falls in intron 3 of the RPS20 gene. It does not directly change the encoded amino acid sequence of the RPS20 protein. This variant is not present in population databases (gnomAD no frequency). This variant has not been reported in the literature in individuals affected with RPS20-related conditions. Experimental studies and prediction algorithms are not available or were not evaluated, and the effect of this variant on mRNA splicing is currently unknown. In summary, the available evidence is currently insufficient to determine the role of this variant in disease. Therefore, it has been classified as a Variant of Uncertain Significance.

NM_001023.4(RPS20):c.173_177+165dup

Gene: RPS20 (ribosomal protein S20; minus strand). Cytogenetic location: 8q12.1.
Variant type: Duplication.
Coding change: c.173_177+165dup on transcript NM_001023.4 (MANE Select); coding-DNA position 173 through 165 bases into the intron after coding-DNA position 177, 170 bases duplicated.
Molecular consequence: splice donor variant.
Genome position (GRCh38, 1-based): chr8:56,073,530-56,073,699, 170 bases duplicated. GRCh37 (hg19): chr8:56,986,091-56,986,260.
Other names: c.173_177+165dup (NM_001146227.3).
Identifiers: ClinVar variation 3655287 (VCV003655287.2).